The following is an entry in ClinVar:

ClinVar aggregate classification (germline): Uncertain significance (1 of 4 stars; one submission).

Conditions:
COG5-congenital disorder of glycosylation. Also called: COG5-CDG; CDG IIi; CONGENITAL DISORDER OF GLYCOSYLATION, TYPE IIi. Identifiers: Orphanet 263487, MedGen C3150876, MONDO:0013325, OMIM 613612.

Allele frequency attached by ClinVar (database versions not stated): TOPMed below 0.00001; gnomAD 0.00001; gnomAD exomes 0.00001.
gnomAD v4.1: 14 of 1,613,672 alleles (0.00087%); highest among the groups gnomAD compares: Middle Eastern, 0.016%; no homozygotes.

Submission:

Labcorp Genetics (formerly Invitae), Labcorp
Classification: Uncertain significance for Congenital disorder of glycosylation type 2i. Last evaluated: 2019-02-08. Review status: criteria provided, single submitter. Criteria: Invitae Variant Classification Sherloc (09022015). Collection method: clinical testing. Allele origin: germline.
Comment: This sequence change replaces threonine with alanine at codon 55 of the COG5 protein (p.Thr55Ala). The threonine residue is moderately conserved and there is a small physicochemical difference between threonine and alanine. This variant is not present in population databases (ExAC no frequency). This variant has not been reported in the literature in individuals with COG5-related conditions. Algorithms developed to predict the effect of missense changes on protein structure and function output the following: SIFT: "Tolerated"; PolyPhen-2: "Benign"; Align-GVGD: "Class C0". The alanine amino acid residue is found in multiple mammalian species, suggesting that this missense change does not adversely affect protein function. These predictions have not been confirmed by published functional studies and their clinical significance is uncertain. In summary, the available evidence is currently insufficient to determine the role of this variant in disease. Therefore, it has been classified as a Variant of Uncertain Significance.

NM_006348.5(COG5):c.70A>G (p.Thr24Ala)

Gene: COG5 (component of oligomeric golgi complex 5; minus strand). Cytogenetic location: 7q22.3.
Variant type: single nucleotide variant.
Coding change: c.70A>G on transcript NM_006348.5 (MANE Select); coding-DNA position 70, A replaced by G.
Protein change: p.Thr24Ala; replaces threonine 24 with alanine.
Molecular consequence: missense variant.
Genome position (GRCh38, 1-based): chr7:107,563,827, T>C on the plus strand (A>G on the coding strand, the complement: COG5 is on the minus strand). VCF-style: chr7-107563827-T-C. GRCh37 (hg19) VCF-style: chr7-107204272-T-C.
Other names: c.70A>G, p.Thr24Ala (NM_001161520.2, NM_001379511.1, NM_001379512.1 and 5 more transcripts); short protein forms T24A.
Identifiers: ClinVar variation 851826 (VCV000851826.1), dbSNP rs957736001, ClinGen allele CA164174373.